The following is an entry in ClinVar:

NM_003921.5(BCL10):c.685A>T (p.Thr229Ser)

Gene: BCL10 (BCL10 immune signaling adaptor; minus strand). Cytogenetic location: 1p22.3.
Variant type: single nucleotide variant.
Coding change: c.685A>T on transcript NM_003921.5 (MANE Select); coding-DNA position 685, A replaced by T.
Protein change: p.Thr229Ser; replaces threonine 229 with serine.
Molecular consequence: missense variant.
Genome position (GRCh38, 1-based): chr1:85,267,644, T>A on the plus strand (A>T on the coding strand, the complement: BCL10 is on the minus strand). VCF-style: chr1-85267644-T-A. GRCh37 (hg19) VCF-style: chr1-85733327-T-A.
Other names: c.652A>T, p.Thr218Ser (NM_001320715.2); short protein forms T218S, T229S.
Identifiers: ClinVar variation 1449095 (VCV001449095.6), dbSNP rs780769969, ClinGen allele CA929718.

ClinVar aggregate classification (germline): Uncertain significance (1 of 4 stars; one submission).

Conditions:
Immunodeficiency 37 (IMD37). Identifiers: MedGen C4015195, MONDO:0014491, OMIM 616098.

Allele frequency attached by ClinVar (database versions not stated): gnomAD 0.00001; gnomAD exomes 0.00005 and 0.00015; TOPMed 0.00008; ExAC 0.00013.
gnomAD v4.1: 34 of 1,601,206 alleles (0.0021%); highest among the groups gnomAD compares: Admixed American, 0.058%; no homozygotes.

Submission:

Labcorp Genetics (formerly Invitae), Labcorp
Classification: Uncertain significance for Immunodeficiency 37. Last evaluated: 2022-06-03. Review status: criteria provided, single submitter. Criteria: Invitae Variant Classification Sherloc (09022015). Collection method: clinical testing. Allele origin: germline.
Comment: This sequence change replaces threonine, which is neutral and polar, with serine, which is neutral and polar, at codon 229 of the BCL10 protein (p.Thr229Ser). This variant is present in population databases (rs780769969, gnomAD 0.1%). This variant has not been reported in the literature in individuals affected with BCL10-related conditions. ClinVar contains an entry for this variant (Variation ID: 1449095). Algorithms developed to predict the effect of missense changes on protein structure and function output the following: SIFT: "Tolerated"; PolyPhen-2: "Benign"; Align-GVGD: "Class C0". The serine amino acid residue is found in multiple mammalian species, which suggests that this missense change does not adversely affect protein function. In summary, the available evidence is currently insufficient to determine the role of this variant in disease. Therefore, it has been classified as a Variant of Uncertain Significance.